The following is an entry in ClinVar:

NM_023036.6(DNAI2):c.1715C>T (p.Pro572Leu)

Gene: DNAI2 (dynein axonemal intermediate chain 2; plus strand). Cytogenetic location: 17q25.1.
Variant type: single nucleotide variant.
Coding change: c.1715C>T on transcript NM_023036.6 (MANE Select); coding-DNA position 1715, C replaced by T.
Protein change: p.Pro572Leu; replaces proline 572 with leucine.
Molecular consequence: missense variant.
Genome position (GRCh38, 1-based): chr17:74,312,223, C>T. VCF-style: chr17-74312223-C-T. GRCh37 (hg19) VCF-style: chr17-72308362-C-T.
Other names: c.1679C>T, p.Pro560Leu (NM_001172810.3); c.1715C>T, p.Pro572Leu (NM_001353167.2); short protein forms P572L, P560L.
Identifiers: ClinVar variation 261644 (VCV000261644.29), dbSNP rs151241589, ClinGen allele CA8745871.

ClinVar aggregate classification (germline): Conflicting classifications of pathogenicity. Review status: criteria provided, conflicting classifications (1 of 4 stars). 8 submissions from 8 submitters: Uncertain significance (1); Benign (2); Likely benign (5). Last evaluated 2026-02-01.

Conditions:
Primary ciliary dyskinesia 9. Also called: CILIARY DYSKINESIA, PRIMARY, 9, WITH OR WITHOUT SITUS INVERSUS. Identifiers: Orphanet 244, MedGen C2676235, MONDO:0012906, OMIM 612444.
Primary ciliary dyskinesia. Also called: Ciliary dyskinesia. Identifiers: Orphanet 244, MedGen C0008780, MONDO:0016575, HP:0012265.

Allele frequency attached by ClinVar (database versions not stated): gnomAD 0.00081 and 0.00105; ESP Exome Variant Server 0.00100; gnomAD exomes 0.00135 and 0.00154; ExAC 0.00231; 1000 Genomes Project 30x 0.00281; 1000 Genomes Project 0.00319.
gnomAD v4.1: 2,067 of 1,578,290 alleles (0.13%); highest among the groups gnomAD compares: South Asian, 0.68%; 9 homozygotes.

Submissions (8):

Labcorp Genetics (formerly Invitae), Labcorp
Classification: Benign for Primary ciliary dyskinesia. Last evaluated: 2026-02-01. Review status: criteria provided, single submitter. Criteria: Invitae Variant Classification Sherloc (09022015). Collection method: clinical testing. Allele origin: germline.

Blueprint Genetics
Classification: Likely benign. Last evaluated: 2024-11-26. Review status: criteria provided, single submitter. Criteria: ACMG Guidelines, 2015. Collection method: clinical testing. Allele origin: germline.

Illumina Laboratory Services, Illumina
Classification: Uncertain significance for Primary ciliary dyskinesia 9. Last evaluated: 2018-01-13. Review status: criteria provided, single submitter. Criteria: ICSL Variant Classification Criteria 13 December 2019. Collection method: clinical testing. Allele origin: germline.

Ambry Genetics
Classification: Benign for Primary ciliary dyskinesia. Last evaluated: 2017-11-01. Review status: criteria provided, single submitter. Criteria: Ambry Variant Classification Scheme 2023. Collection method: clinical testing. Allele origin: germline.

Institute for Genomic Medicine (IGM) Clinical Laboratory, Nationwide Children's Hospital
Classification: Likely benign. Last evaluated: 2017-08-22. Review status: criteria provided, single submitter. Criteria: ACMG Guidelines, 2015. Collection method: clinical testing. Allele origin: germline.
Comment: BP4, BP6; This alteration is predicted to be tolerated by multiple functional prediction tools, and was reported as a benign/likely benign alteration by a reputable source (ClinVar or other correspondence from a clinical testing laboratory).

Mayo Clinic Laboratories, Mayo Clinic
Classification: Likely benign for Primary ciliary dyskinesia 9. Last evaluated: 2017-02-06. Review status: criteria provided, single submitter. Criteria: ACMG Guidelines, 2015. Collection method: clinical testing. Allele origin: paternal.

Eurofins Ntd Llc (ga)
Classification: Likely benign. Last evaluated: 2017-01-13. Review status: criteria provided, single submitter. Criteria: EGL Classification Definitions 2015. Collection method: clinical testing. Allele origin: germline. Observed: 1 variant allele, 1 heterozygote.

PreventionGenetics, part of Exact Sciences
Classification: Likely benign. Review status: criteria provided, single submitter. Criteria: ACMG Guidelines, 2015. Collection method: clinical testing. Allele origin: germline.